The following is an entry in ClinVar:

ClinVar aggregate classification (germline): Uncertain significance (1 of 4 stars; one submission).

Allele frequency attached by ClinVar (database versions not stated): ExAC 0.00001; gnomAD 0.00001; TOPMed 0.00002.
gnomAD v4.1: 9 of 1,613,358 alleles (0.00056%); highest among the groups gnomAD compares: East Asian, 0.0089%; no homozygotes.

Submission:

Women's Health and Genetics/Laboratory Corporation of America, LabCorp
Classification: Uncertain significance. Last evaluated: 2023-08-25. Review status: criteria provided, single submitter. Criteria: LabCorp Variant Classification Summary - May 2015. Collection method: clinical testing. Allele origin: germline.
Comment: Variant summary: GSS c.800G>A (p.Arg267Gln) results in a conservative amino acid change located in the Glutathione synthase, substrate-binding domain (IPR004887) of the encoded protein sequence. Four of five in-silico tools predict a damaging effect of the variant on protein function. The variant allele was found at a frequency of 8e-06 in 251442 control chromosomes (gnomAD). c.800G>A has been reported in the literature in a homozygous individual affected with Glutathione Synthetase Deficiency (example: Guney Varal_2020). These data indicate that the variant may be associated with disease. To our knowledge, no experimental evidence demonstrating an impact on protein function has been reported. The following publication has been ascertained in the context of this evaluation (PMID: 31198081). No submitters have cited clinical-significance assessments for this variant to ClinVar after 2014. Based on the evidence outlined above, the variant was classified as VUS-possibly pathogenic.

Literature cited by the submitters: PubMed 31198081.

NM_000178.4(GSS):c.800G>A (p.Arg267Gln)

Gene: GSS (glutathione synthetase; minus strand). Cytogenetic location: 20q11.22.
Variant type: single nucleotide variant.
Coding change: c.800G>A on transcript NM_000178.4 (MANE Select); coding-DNA position 800, G replaced by A.
Protein change: p.Arg267Gln; replaces arginine 267 with glutamine.
Molecular consequence: missense variant.
Genome position (GRCh38, 1-based): chr20:34,935,610, C>T on the plus strand (G>A on the coding strand, the complement: GSS is on the minus strand). VCF-style: chr20-34935610-C-T. GRCh37 (hg19) VCF-style: chr20-33523413-C-T.
Other names: c.800G>A, p.Arg267Gln (NM_001322494.1, NM_001322495.1); short protein forms R267Q.
Identifiers: ClinVar variation 2581364 (VCV002581364.1), dbSNP rs770335357, ClinGen allele CA9825958.
Genomic context (GRCh38, chr20:34,935,610, plus strand): 5'-AGAATGGTCTCACAGAAAATACCAACCTGTAGACTGTACTGACGAGGCATGTAGCCATCC[C>T]GGAAGTAAACCACAGCAATTTCCTGGCCATCCCTGGAACACAGGATGGAGAAGGCTGCTG-3'
Protein context (NP_000169.1, residues 257-277): DGQEIAVVYF[Arg267Gln]DGYMPRQYSL